The following is an entry in ClinVar:

ClinVar aggregate classification (germline): Uncertain significance (1 of 4 stars; one submission).

Conditions:
Neuronal ceroid lipofuscinosis. Also called: Neuronal Ceroid Lipofuscinoses. Identifiers: Orphanet 216, Orphanet 79263, MedGen C0027877, MONDO:0016295. Disease mechanism: loss of function.

Allele frequency attached by ClinVar (database versions not stated): TOPMed below 0.00001; gnomAD 0.00001; gnomAD exomes 0.00001; ExAC 0.00002.
gnomAD v4.1: 8 of 1,613,996 alleles (0.0005%); highest among the groups gnomAD compares: East Asian, 0.018%; no homozygotes.

Submission:

Labcorp Genetics (formerly Invitae), Labcorp
Classification: Uncertain significance for Neuronal ceroid lipofuscinosis. Last evaluated: 2021-10-14. Review status: criteria provided, single submitter. Criteria: Invitae Variant Classification Sherloc (09022015). Collection method: clinical testing. Allele origin: germline.
Comment: This sequence change replaces serine with glycine at codon 77 of the CLN8 protein (p.Ser77Gly). The serine residue is highly conserved and there is a small physicochemical difference between serine and glycine. This variant is present in population databases (rs751170444, ExAC 0.02%). This variant has not been reported in the literature in individuals affected with CLN8-related conditions. Algorithms developed to predict the effect of missense changes on protein structure and function output the following: SIFT: "Tolerated"; PolyPhen-2: "Benign"; Align-GVGD: "Class C0". The glycine amino acid residue is found in multiple mammalian species, which suggests that this missense change does not adversely affect protein function. In summary, the available evidence is currently insufficient to determine the role of this variant in disease. Therefore, it has been classified as a Variant of Uncertain Significance.

NM_018941.4(CLN8):c.229A>G (p.Ser77Gly)

Gene: CLN8 (CLN8 transmembrane ER and ERGIC protein; plus strand). Cytogenetic location: 8p23.3.
Variant type: single nucleotide variant.
Coding change: c.229A>G on transcript NM_018941.4 (MANE Select); coding-DNA position 229, A replaced by G.
Protein change: p.Ser77Gly; replaces serine 77 with glycine.
Molecular consequence: missense variant.
Genome position (GRCh38, 1-based): chr8:1,771,283, A>G. VCF-style: chr8-1771283-A-G. GRCh37 (hg19) VCF-style: chr8-1719449-A-G.
Other names: short protein forms S77G.
Identifiers: ClinVar variation 2080338 (VCV002080338.1), dbSNP rs751170444, ClinGen allele CA4599229.
Genomic context (GRCh38, chr8:1,771,283, plus strand): 5'-GTGGCCAGAGAGAAGGTCTTCTGGGACCTGGCGGCCACGCGTGCAGTCTTTGGTGTTCAG[A>G]GCACAGCCGCAGGCCTGTGGGCTCTGCTGGGGGACCCTGTGCTGCATGCCGACAAGGCGC-3'
Protein context (NP_061764.2, residues 67-87): AATRAVFGVQ[Ser77Gly]TAAGLWALLG